The following is an entry in ClinVar:

ClinVar aggregate classification (germline): Uncertain significance (1 of 4 stars; one submission).

gnomAD v4.1: 17 of 1,613,470 alleles (0.0011%); highest among the groups gnomAD compares: Middle Eastern, 0.033%; no homozygotes.

Submission:

CeGaT Center for Human Genetics Tuebingen
Classification: Uncertain significance. Last evaluated: 2024-09-01. Review status: criteria provided, single submitter. Criteria: CeGaT Center For Human Genetics Tuebingen Variant Classification Criteria Version 2. Collection method: clinical testing. Allele origin: germline. Affected: yes. Observed: 1 variant allele.
Comment: GCH1: PM2, PVS1:Moderate

NM_000161.3(GCH1):c.*196C>A

Gene: GCH1 (GTP cyclohydrolase 1; minus strand). Cytogenetic location: 14q22.2.
Variant type: single nucleotide variant.
Coding change: c.*196C>A on transcript NM_000161.3 (MANE Select); 196 bases downstream of the stop codon, C replaced by A.
Molecular consequence: 3 prime UTR variant. On other transcripts: nonsense (1), intron variant (3).
Genome position (GRCh38, 1-based): chr14:54,843,821, G>T on the plus strand (C>A on the coding strand, the complement: GCH1 is on the minus strand). VCF-style: chr14-54843821-G-T. GRCh37 (hg19) VCF-style: chr14-55310539-G-T.
Other names: c.675C>A, p.Cys225Ter (NM_001024070.2); c.*196C>A (NM_001424105.1); c.510-767C>A (NM_001424104.1); c.627-767C>A (NM_001024071.2); c.*16+180C>A (NM_001024024.2); short protein forms C225*.
Identifiers: ClinVar variation 3389159 (VCV003389159.14).